The following is an entry in ClinVar:

ClinVar aggregate classification (germline): Benign (1 of 4 stars; one submission).

Conditions:
Colorectal cancer, susceptibility to, 1. Also called: COLORECTAL ADENOMA AND CANCER, SUSCEPTIBILITY TO; COLORECTAL CANCER, SUSCEPTIBILITY TO, ON CHROMOSOME 9. Identifiers: MedGen C1837315, MONDO:0012132, OMIM 608812.

Submission:

Myriad Genetics, Inc.
Classification: Benign for Colorectal cancer, susceptibility to, 1. Last evaluated: 2026-04-22. Review status: criteria provided, single submitter. Criteria: Myriad Autosomal Dominant, Autosomal Recessive and X-Linked Classification Criteria (2023). Collection method: clinical testing. Allele origin: unknown.
Comment: This variant is considered benign. This variant is a silent/synonymous amino acid change and it is not expected to impact splicing.

NM_024642.5(GALNT12):c.222G>A (p.Ala74=)

Gene: GALNT12 (polypeptide N-acetylgalactosaminyltransferase 12; plus strand). Cytogenetic location: 9q22.33.
Variant type: single nucleotide variant.
Coding change: c.222G>A on transcript NM_024642.5 (MANE Select); coding-DNA position 222, G replaced by A.
Protein change: p.Ala74=; no amino-acid change (alanine 74 retained).
Molecular consequence: synonymous variant.
Genome position (GRCh38, 1-based): chr9:98,807,920, G>A. VCF-style: chr9-98807920-G-A. GRCh37 (hg19) VCF-style: chr9-101570202-G-A.
Identifiers: ClinVar variation 4876070 (VCV004876070.1).